The following is an entry in ClinVar:

ClinVar aggregate classification (germline): Uncertain significance (1 of 4 stars; one submission).

Conditions:
Charcot-Marie-Tooth disease axonal type 2V. Also called: CHARCOT-MARIE-TOOTH NEUROPATHY, TYPE 2V; CHARCOT-MARIE-TOOTH DISEASE, AXONAL, AUTOSOMAL DOMINANT, TYPE 2V. Identifiers: Orphanet 447964, MedGen C5569050, MONDO:0014665, OMIM 616491.
Mucopolysaccharidosis, MPS-III-B (MPS3B). Also called: N-ACETYL-ALPHA-D-GLUCOSAMINIDASE DEFICIENCY; NAGLU DEFICIENCY; SANFILIPPO SYNDROME B; MPS III B; MUCOPOLYSACCHARIDOSIS, TYPE IIIB; MPS IIIB (Sanfilippo Syndrome Type B). Identifiers: Orphanet 79270, MedGen C0086648, MONDO:0009656, OMIM 252920.

Allele frequency attached by ClinVar (database versions not stated): gnomAD exomes below 0.00001; TOPMed 0.00001.
gnomAD v4.1: 1 of 1,613,822 alleles (0.000062%); highest among the groups gnomAD compares: Non-Finnish European, 0.000085%; no homozygotes.

Submission:

Labcorp Genetics (formerly Invitae), Labcorp
Classification: Uncertain significance for Charcot-Marie-Tooth disease axonal type 2V; Mucopolysaccharidosis, MPS-III-B. Last evaluated: 2022-08-04. Review status: criteria provided, single submitter. Criteria: Invitae Variant Classification Sherloc (09022015). Collection method: clinical testing. Allele origin: germline.
Comment: This sequence change replaces glutamine, which is neutral and polar, with arginine, which is basic and polar, at codon 176 of the NAGLU protein (p.Gln176Arg). This variant is not present in population databases (gnomAD no frequency). This variant has not been reported in the literature in individuals affected with NAGLU-related conditions. Advanced modeling of protein sequence and biophysical properties (such as structural, functional, and spatial information, amino acid conservation, physicochemical variation, residue mobility, and thermodynamic stability) performed at Invitae indicates that this missense variant is not expected to disrupt NAGLU protein function. In summary, the available evidence is currently insufficient to determine the role of this variant in disease. Therefore, it has been classified as a Variant of Uncertain Significance.

NM_000263.4(NAGLU):c.527A>G (p.Gln176Arg)

Gene: NAGLU (N-acetyl-alpha-glucosaminidase; plus strand). Cytogenetic location: 17q21.2.
Variant type: single nucleotide variant.
Coding change: c.527A>G on transcript NM_000263.4 (MANE Select); coding-DNA position 527, A replaced by G.
Protein change: p.Gln176Arg; replaces glutamine 176 with arginine.
Molecular consequence: missense variant.
Genome position (GRCh38, 1-based): chr17:42,537,541, A>G. VCF-style: chr17-42537541-A-G. GRCh37 (hg19) VCF-style: chr17-40689559-A-G.
Other names: short protein forms Q176R.
Identifiers: ClinVar variation 2177398 (VCV002177398.1), dbSNP rs1245652816, ClinGen allele CA399598308.